The following is an entry in ClinVar:

NM_005869.4(CWC27):c.847G>A (p.Glu283Lys)

Gene: CWC27 (CWC27 spliceosome associated cyclophilin; plus strand). Cytogenetic location: 5q12.3.
Variant type: single nucleotide variant.
Coding change: c.847G>A on transcript NM_005869.4 (MANE Select); coding-DNA position 847, G replaced by A.
Protein change: p.Glu283Lys; replaces glutamic acid 283 with lysine.
Molecular consequence: missense variant.
Genome position (GRCh38, 1-based): chr5:64,804,295, G>A. VCF-style: chr5-64804295-G-A. GRCh37 (hg19) VCF-style: chr5-64100122-G-A.
Other names: c.847G>A, p.Glu283Lys (NM_001297644.1, NM_001297645.2, NM_001318000.2 and 1 more transcripts); short protein forms E283K.
Identifiers: ClinVar variation 2127977 (VCV002127977.4), dbSNP rs2531296929, ClinGen allele CA359833450.

ClinVar aggregate classification (germline): Uncertain significance (1 of 4 stars; one submission).

Submission:

Labcorp Genetics (formerly Invitae), Labcorp
Classification: Uncertain significance. Last evaluated: 2024-01-08. Review status: criteria provided, single submitter. Criteria: Invitae Variant Classification Sherloc (09022015). Collection method: clinical testing. Allele origin: germline.
Comment: This sequence change replaces glutamic acid, which is acidic and polar, with lysine, which is basic and polar, at codon 283 of the CWC27 protein (p.Glu283Lys). This variant is not present in population databases (gnomAD no frequency). This variant has not been reported in the literature in individuals affected with CWC27-related conditions. ClinVar contains an entry for this variant (Variation ID: 2127977). An algorithm developed to predict the effect of missense changes on protein structure and function (PolyPhen-2) suggests that this variant is likely to be tolerated. In summary, the available evidence is currently insufficient to determine the role of this variant in disease. Therefore, it has been classified as a Variant of Uncertain Significance.